The following is an entry in ClinVar:

ClinVar aggregate classification (germline): Pathogenic (1 of 4 stars; one submission).

Conditions:
Congenital myasthenic syndrome 12 (CMS12). Also called: Myasthenia, congenital, 12, with tubular aggregates; MYASTHENIC SYNDROME, CONGENITAL, WITH TUBULAR AGGREGATES 1. Identifiers: Orphanet 353327, Orphanet 590, MedGen C3552335, MONDO:0012518, OMIM 610542.

Submission:

Labcorp Genetics (formerly Invitae), Labcorp
Classification: Pathogenic for Congenital myasthenic syndrome 12. Last evaluated: 2019-05-08. Review status: criteria provided, single submitter. Criteria: Invitae Variant Classification Sherloc (09022015). Collection method: clinical testing. Allele origin: germline.
Comment: This sequence change creates a premature translational stop signal at codon 230 (p.Arg230*) of the GFPT1 muscle-specific isoform NM_001244710.1, also known as GFPTL1. It is expected to result in an absent or disrupted protein product. While this particular variant has not been reported in the literature, truncating variants in GFPT1 are known to be pathogenic (PMID: 23794683, 25635128). For these reasons, this variant has been classified as Pathogenic.

Literature cited by the submitters: PubMed 23794683; PubMed 25635128.

NM_001244710.2(GFPT1):c.741dup (p.Lys248fs)

Gene: GFPT1 (glutamine--fructose-6-phosphate transaminase 1; minus strand). Cytogenetic location: 2p13.3.
Variant type: Duplication.
Coding change: c.741dup on transcript NM_001244710.2 (MANE Select); coding-DNA position 741, one base duplicated (C; older notation c.741dupC).
Protein change: p.Lys248fs; shifts the reading frame from lysine 248.
Molecular consequence: frameshift variant.
Genome position (GRCh38, 1-based): chr2:69,350,182, G duplicated on the plus strand (C on the coding strand, the reverse complement: GFPT1 is on the minus strand). VCF-style (leftmost placement, unchanged base first): chr2-69350181-T-TG. GRCh37 (hg19) VCF-style: chr2-69577313-T-TG.
Other names: c.687dup, p.Lys230fs (NM_002056.4); short protein forms K248fs, K230fs.
Identifiers: ClinVar variation 3010186 (VCV003010186.3), dbSNP rs2466082798, ClinGen allele CA2740095615.